The following is an entry in ClinVar:

ClinVar aggregate classification (germline): Uncertain significance. Review status: criteria provided, multiple submitters, no conflicts (2 of 4 stars). 2 submissions from 2 submitters: Uncertain significance (2). Last evaluated 2023-02-14.

Conditions:
Neurofibromatosis, type 1 (NF1). Also called: VON RECKLINGHAUSEN DISEASE; NEUROFIBROMATOSIS, TYPE I, SOMATIC; Neurofibromatosis, type I; Peripheral type neurofibromatosis. Identifiers: Orphanet 636, MedGen C0027831, MONDO:0018975, OMIM 162200. Disease mechanism: loss of function.
Cardiovascular phenotype. Identifiers: MedGen CN230736.
Hereditary cancer-predisposing syndrome. Also called: Neoplastic Syndromes, Hereditary; Tumor predisposition; Hereditary Cancer Syndrome; Hereditary neoplastic syndrome. Identifiers: Orphanet 140162, MedGen C0027672, MeSH D009386, MONDO:0015356.

Allele frequency attached by ClinVar (database versions not stated): gnomAD exomes below 0.00001.
gnomAD v4.1: 2 of 1,614,024 alleles (0.00012%); highest among the groups gnomAD compares: Non-Finnish European, 0.00017%; no homozygotes.

Submissions (2):

Ambry Genetics
Classification: Uncertain significance for Cardiovascular phenotype; Hereditary cancer-predisposing syndrome. Last evaluated: 2023-02-14. Review status: criteria provided, single submitter. Criteria: Ambry Variant Classification Scheme 2023. Collection method: clinical testing. Allele origin: germline.
Comment: The p.Q1820R variant (also known as c.5459A>G), located in coding exon 37 of the NF1 gene, results from an A to G substitution at nucleotide position 5459. The glutamine at codon 1820 is replaced by arginine, an amino acid with highly similar properties. This missense alteration is located in a region that has a low rate of benign missense variation (Lek M et al. Nature. 2016 Aug 18;536(7616):285-91; DECIPHER: Database of Chromosomal Imbalance and Phenotype in Humans using Ensembl Resources. Firth H.V. et al. 2009. Am.J.Hum.Genet. 84, 524-533 (DOI. 03.010)). This amino acid position is highly conserved in available vertebrate species. In addition, this alteration is predicted to be deleterious by in silico analysis. Since supporting evidence is limited at this time, the clinical significance of this alteration remains unclear.

Labcorp Genetics (formerly Invitae), Labcorp
Classification: Uncertain significance for Neurofibromatosis, type 1. Last evaluated: 2022-04-23. Review status: criteria provided, single submitter. Criteria: Invitae Variant Classification Sherloc (09022015). Collection method: clinical testing. Allele origin: germline.
Comment: This variant is not present in population databases (gnomAD no frequency). This variant has not been reported in the literature in individuals affected with NF1-related conditions. Algorithms developed to predict the effect of missense changes on protein structure and function are either unavailable or do not agree on the potential impact of this missense change (SIFT: "Tolerated"; PolyPhen-2: "Probably Damaging"; Align-GVGD: "Class C0"). In summary, the available evidence is currently insufficient to determine the role of this variant in disease. Therefore, it has been classified as a Variant of Uncertain Significance. This sequence change replaces glutamine, which is neutral and polar, with arginine, which is basic and polar, at codon 1820 of the NF1 protein (p.Gln1820Arg).

NM_001042492.3(NF1):c.5522A>G (p.Gln1841Arg)

Gene: NF1 (neurofibromin 1; plus strand). Cytogenetic location: 17q11.2.
Variant type: single nucleotide variant.
Coding change: c.5522A>G on transcript NM_001042492.3 (MANE Select); coding-DNA position 5522, A replaced by G.
Protein change: p.Gln1841Arg; replaces glutamine 1841 with arginine.
Molecular consequence: missense variant.
Genome position (GRCh38, 1-based): chr17:31,327,752, A>G. VCF-style: chr17-31327752-A-G. GRCh37 (hg19) VCF-style: chr17-29654770-A-G.
Other names: c.5459A>G, p.Gln1820Arg (NM_000267.4); short protein forms Q1820R, Q1841R.
Identifiers: ClinVar variation 1747644 (VCV001747644.8), dbSNP rs2151541647, ClinGen allele CA399009731.